The following is an entry in ClinVar:

ClinVar aggregate classification (germline): Pathogenic/Likely pathogenic. Review status: criteria provided, multiple submitters, no conflicts (2 of 4 stars). 5 submissions from 5 submitters: Pathogenic (3); Likely pathogenic (2). Last evaluated 2026-01-07.

Conditions:
Familial cancer of breast. Also called: hereditary breast carcinoma; Hereditary breast cancer; BREAST CANCER, FAMILIAL. Identifiers: Orphanet 227535, MedGen C0346153, MONDO:0016419, OMIM 114480. Disease mechanism: loss of function.
Hereditary cancer-predisposing syndrome. Also called: Hereditary neoplastic syndrome; Hereditary Cancer Syndrome; Neoplastic Syndromes, Hereditary; Tumor predisposition. Identifiers: Orphanet 140162, MedGen C0027672, MeSH D009386, MONDO:0015356.
Fanconi anemia complementation group J. Also called: BRIP1-Related Fanconi Anemia. Identifiers: Orphanet 84, MedGen C1836860, MONDO:0012187, OMIM 609054.

Submissions (5):

Labcorp Genetics (formerly Invitae), Labcorp
Classification: Pathogenic for Familial cancer of breast; Fanconi anemia complementation group J. Last evaluated: 2026-01-07. Review status: criteria provided, single submitter. Criteria: Invitae Variant Classification Sherloc (09022015). Collection method: clinical testing. Allele origin: germline.
Comment: This sequence change creates a premature translational stop signal (p.Val82Tyrfs*19) in the BRIP1 gene. It is expected to result in an absent or disrupted protein product. Loss-of-function variants in BRIP1 are known to be pathogenic (PMID: 16116423, 17033622, 21964575). This variant is not present in population databases (gnomAD no frequency). This variant has not been reported in the literature in individuals affected with BRIP1-related conditions. ClinVar contains an entry for this variant (Variation ID: 421072). For these reasons, this variant has been classified as Pathogenic.

Baylor Genetics
Classification: Likely pathogenic for Familial cancer of breast. Last evaluated: 2023-11-07. Review status: criteria provided, single submitter. Criteria: ACMG Guidelines, 2015. Collection method: clinical testing. Allele origin: unknown.

Ambry Genetics
Classification: Pathogenic for Hereditary cancer-predisposing syndrome. Last evaluated: 2023-06-07. Review status: criteria provided, single submitter. Criteria: Ambry Variant Classification Scheme 2023. Collection method: clinical testing. Allele origin: germline.
Comment: The c.243delA pathogenic mutation, located in coding exon 3 of the BRIP1 gene, results from a deletion of one nucleotide at nucleotide position 243, causing a translational frameshift with a predicted alternate stop codon (p.V82Yfs*19). This variant was not reported in population-based cohorts in the Genome Aggregation Database (gnomAD). This alteration is expected to result in loss of function by premature protein truncation or nonsense-mediated mRNA decay. As such, this alteration is interpreted as a disease-causing mutation.

Myriad Genetics, Inc.
Classification: Pathogenic for Familial cancer of breast. Last evaluated: 2023-05-30. Review status: criteria provided, single submitter. Criteria: Myriad Autosomal Dominant, Autosomal Recessive and X-Linked Classification Criteria (2023). Collection method: clinical testing. Allele origin: unknown.
Comment: This variant is considered pathogenic. This variant creates a frameshift predicted to result in premature protein truncation.

GeneDx
Classification: Likely pathogenic. Last evaluated: 2016-04-27. Review status: criteria provided, single submitter. Criteria: GeneDx Variant Classification (06012015). Collection method: clinical testing. Allele origin: germline. Affected: yes.
Comment: This deletion of one nucleotide in BRIP1 is denoted c.243delA at the cDNA level and p.Val82TyrfsX19 (V82YfsX19) at the protein level. The normal sequence, with the base that is deleted in braces, is CTGA[A]GTAC. The deletion causes a frameshift which changes a Valine to a Tyrosine at codon 82, and creates a premature stop codon at position 19 of the new reading frame. Although this variant has not, to our knowledge, been reported in the literature, it is predicted to cause loss of normal protein function through either protein truncation or nonsense-mediated mRNA decay. Based on the currently available information, we consider this deletion to be a likely pathogenic variant.

Literature cited by the submitters: PubMed 16116423 (cited by Labcorp Genetics (formerly Invitae), Labcorp); PubMed 17033622 (cited by Labcorp Genetics (formerly Invitae), Labcorp); PubMed 21964575 (cited by Labcorp Genetics (formerly Invitae), Labcorp).

NM_032043.3(BRIP1):c.243del (p.Val82fs)

Gene: BRIP1 (BRCA1 interacting DNA helicase 1; minus strand). Cytogenetic location: 17q23.2.
Variant type: Deletion.
Coding change: c.243del on transcript NM_032043.3 (MANE Select); coding-DNA position 243, one base deleted (A; older notation c.243delA).
Protein change: p.Val82fs; shifts the reading frame from valine 82.
Molecular consequence: frameshift variant.
Genome position (GRCh38, 1-based): chr17:61,857,194, T deleted on the plus strand (A on the coding strand, the reverse complement: BRIP1 is on the minus strand); the first of 2 consecutive T bases (chr17:61,857,194-61,857,195); deleting either gives the same sequence. VCF-style (leftmost placement, unchanged base first): chr17-61857193-CT-C. GRCh37 (hg19) VCF-style: chr17-59934554-CT-C.
Other names: c.243delA (NM_032043.2); short protein forms V82fs.
Identifiers: ClinVar variation 421072 (VCV000421072.16), dbSNP rs1064794890, ClinGen allele CA16620547.